The following is an entry in ClinVar:

ClinVar aggregate classification (germline): Conflicting classifications of pathogenicity. Review status: criteria provided, conflicting classifications (1 of 4 stars). 5 submissions from 5 submitters: Uncertain significance (4); Likely benign (1). Last evaluated 2026-02-01.

Conditions:
Hypokalemic periodic paralysis, type 1. Also called: Hypokalemic Periodic Paralysis Type 1 (AD); HypoPP. Identifiers: Orphanet 681, MedGen C3714580, MONDO:0042979, OMIM 170400.
Malignant hyperthermia, susceptibility to, 5 (MHS5). Also called: CACNA1S-Related Malignant Hyperthermia Susceptibility. Identifiers: Orphanet 423, MedGen C1866077, MONDO:0011163, OMIM 601887.
Inborn genetic diseases. Identifiers: MedGen C0950123, MeSH D030342.
Congenital myopathy 18. Also called: DIHYDROPYRIDINE RECEPTOR CONGENITAL MYOPATHY; DHPR CONGENITAL MYOPATHY; Myopathy, congenital, due to dihydropyridine receptor defect. Identifiers: MedGen C5830283, MONDO:0859514, OMIM 620246.
Thyrotoxic periodic paralysis, susceptibility to, 1 (TTPP1). Identifiers: Orphanet 79102, MedGen C2749982, MONDO:0008570, OMIM 188580.

Allele frequency attached by ClinVar (database versions not stated): TOPMed 0.00013; 1000 Genomes Project 30x 0.00031; 1000 Genomes Project 0.00040.

Submissions (5):

Labcorp Genetics (formerly Invitae), Labcorp
Classification: Likely benign for Hypokalemic periodic paralysis, type 1; Malignant hyperthermia, susceptibility to, 5. Last evaluated: 2026-02-01. Review status: criteria provided, single submitter. Criteria: Invitae Variant Classification Sherloc (09022015). Collection method: clinical testing. Allele origin: germline.

Color Diagnostics, LLC DBA Color Health
Classification: Uncertain significance for Malignant hyperthermia, susceptibility to, 5. Last evaluated: 2025-11-03. Review status: criteria provided, single submitter. Criteria: ACMG Guidelines, 2015. Collection method: clinical testing. Allele origin: germline.
Comment: This missense variant replaces arginine with glutamine at codon 1702 of the CACNA1S protein. Computational prediction suggests that this variant may not impact protein structure and function. To our knowledge, functional studies have not been reported for this variant. This variant has not been reported in individuals affected with CACNA1S-related disorders in the literature. This variant has been identified in 35/282602 chromosomes in the general population by the Genome Aggregation Database (gnomAD). The available evidence is insufficient to determine the role of this variant in disease conclusively. Therefore, this variant is classified as a Variant of Uncertain Significance.

GeneDx
Classification: Uncertain significance. Last evaluated: 2024-09-07. Review status: criteria provided, single submitter. Criteria: GeneDx Variant Classification Process June 2021. Collection method: clinical testing. Allele origin: germline. Affected: yes.
Comment: In silico analysis indicates that this missense variant does not alter protein structure/function; Has not been previously published as pathogenic or benign to our knowledge

Fulgent Genetics
Classification: Uncertain significance for Hypokalemic periodic paralysis, type 1; Thyrotoxic periodic paralysis, susceptibility to, 1; Malignant hyperthermia, susceptibility to, 5; Congenital myopathy 18. Last evaluated: 2024-03-21. Review status: criteria provided, single submitter. Criteria: ACMG Guidelines, 2015. Collection method: clinical testing. Allele origin: germline.

Ambry Genetics
Classification: Uncertain significance for Inborn genetic diseases. Last evaluated: 2021-06-11. Review status: criteria provided, single submitter. Criteria: Ambry Variant Classification Scheme 2023. Collection method: clinical testing. Allele origin: germline.

NM_000069.3(CACNA1S):c.5105G>A (p.Arg1702Gln)

Gene: CACNA1S (calcium voltage-gated channel subunit alpha1 S; minus strand). Cytogenetic location: 1q32.1.
Variant type: single nucleotide variant.
Coding change: c.5105G>A on transcript NM_000069.3 (MANE Select); coding-DNA position 5105, G replaced by A.
Protein change: p.Arg1702Gln; replaces arginine 1702 with glutamine.
Molecular consequence: missense variant.
Genome position (GRCh38, 1-based): chr1:201,041,533, C>T on the plus strand (G>A on the coding strand, the complement: CACNA1S is on the minus strand). VCF-style: chr1-201041533-C-T. GRCh37 (hg19) VCF-style: chr1-201010661-C-T.
Other names: short protein forms R1702Q.
Identifiers: ClinVar variation 388826 (VCV000388826.16), dbSNP rs201310235, ClinGen allele CA083723.